The following is an entry in ClinVar:

ClinVar aggregate classification (germline): Uncertain significance (1 of 4 stars; one submission).

Submission:

Ambry Genetics
Classification: Uncertain significance. Last evaluated: 2022-07-19. Review status: criteria provided, single submitter. Criteria: Ambry Variant Classification Scheme 2023. Collection method: clinical testing. Allele origin: germline.
Comment: The p.E226D variant (also known as c.678G>T), located in coding exon 4 of the MNDA gene, results from a G to T substitution at nucleotide position 678. The glutamic acid at codon 226 is replaced by aspartic acid, an amino acid with highly similar properties. This amino acid position is conserved. In addition, this alteration is predicted to be tolerated by in silico analysis. Since supporting evidence is limited at this time, the clinical significance of this alteration remains unclear.

NM_002432.3(MNDA):c.678G>T (p.Glu226Asp)

Gene: MNDA (myeloid cell nuclear differentiation antigen; plus strand). Cytogenetic location: 1q23.1.
Variant type: single nucleotide variant.
Coding change: c.678G>T on transcript NM_002432.3 (MANE Select); coding-DNA position 678, G replaced by T.
Protein change: p.Glu226Asp; replaces glutamic acid 226 with aspartic acid.
Molecular consequence: missense variant.
Genome position (GRCh38, 1-based): chr1:158,845,694, G>T. VCF-style: chr1-158845694-G-T. GRCh37 (hg19) VCF-style: chr1-158815484-G-T.
Other names: short protein forms E226D.
Identifiers: ClinVar variation 1755439 (VCV001755439.2), dbSNP rs2102051830, ClinGen allele CA343041034.